The following is an entry in ClinVar:

NM_000316.3(PTH1R):c.157A>G (p.Lys53Glu)

Gene: PTH1R (parathyroid hormone 1 receptor; plus strand). Cytogenetic location: 3p21.31.
Variant type: single nucleotide variant.
Coding change: c.157A>G on transcript NM_000316.3 (MANE Select); coding-DNA position 157, A replaced by G.
Protein change: p.Lys53Glu; replaces lysine 53 with glutamic acid.
Molecular consequence: missense variant.
Genome position (GRCh38, 1-based): chr3:46,893,988, A>G. VCF-style: chr3-46893988-A-G. GRCh37 (hg19) VCF-style: chr3-46935478-A-G.
Other names: c.157A>G, p.Lys53Glu (NM_001184744.1); short protein forms K53E.
Identifiers: ClinVar variation 1515323 (VCV001515323.9), dbSNP rs960888191, ClinGen allele CA73766689.

ClinVar aggregate classification (germline): Uncertain significance. Review status: criteria provided, multiple submitters, no conflicts (2 of 4 stars). 2 submissions from 2 submitters: Uncertain significance (2). Last evaluated 2024-05-14.

Conditions:
Primary failure of tooth eruption. Also called: DENTAL NONERUPTION; PRIMARY RETENTION OF TEETH; UNERUPTED SECOND PRIMARY MOLAR; POSTERIOR OPENBITE MALOCCLUSION, FAMILIAL. Identifiers: Orphanet 412206, MedGen C1852222, MONDO:0007434, OMIM 125350.
Chondrodysplasia Blomstrand type (BOCD). Identifiers: Orphanet 50945, MedGen C1859148, MONDO:0008970, OMIM 215045.
Metaphyseal chondrodysplasia, Jansen type. Also called: PTH1R-Related Jansen Metaphyseal Chondrodysplasia; Metaphyseal chondrodysplasia Murk Jansen type. Identifiers: Orphanet 33067, MedGen C0265295, MONDO:0007982, OMIM 156400.
Eiken syndrome (EKNS). Also called: BONE MODELING DEFECT OF HANDS AND FEET. Identifiers: Orphanet 79106, MedGen C1838779, MONDO:0010803, OMIM 600002.

Allele frequency attached by ClinVar (database versions not stated): gnomAD exomes below 0.00001 and 0.00001; gnomAD 0.00005 and 0.00006; TOPMed 0.00006.
gnomAD v4.1: 16 of 1,613,962 alleles (0.00099%); highest among the groups gnomAD compares: African/African-American, 0.015%; no homozygotes.

Submissions (2):

Fulgent Genetics
Classification: Uncertain significance for Primary failure of tooth eruption; Metaphyseal chondrodysplasia, Jansen type; Chondrodysplasia Blomstrand type; Eiken syndrome. Last evaluated: 2024-05-14. Review status: criteria provided, single submitter. Criteria: ACMG Guidelines, 2015. Collection method: clinical testing. Allele origin: germline.

Labcorp Genetics (formerly Invitae), Labcorp
Classification: Uncertain significance. Last evaluated: 2021-03-31. Review status: criteria provided, single submitter. Criteria: Invitae Variant Classification Sherloc (09022015). Collection method: clinical testing. Allele origin: germline.
Comment: Algorithms developed to predict the effect of missense changes on protein structure and function are either unavailable or do not agree on the potential impact of this missense change (SIFT: "Deleterious"; PolyPhen-2: "Benign"; Align-GVGD: "Class C55"). In summary, the available evidence is currently insufficient to determine the role of this variant in disease. Therefore, it has been classified as a Variant of Uncertain Significance. This sequence change replaces lysine with glutamic acid at codon 53 of the PTH1R protein (p.Lys53Glu). The lysine residue is highly conserved and there is a small physicochemical difference between lysine and glutamic acid. This variant is not present in population databases (ExAC no frequency). This variant has not been reported in the literature in individuals with PTH1R-related conditions.